The following is an entry in ClinVar:

NM_001374736.1(DST):c.21584C>T (p.Thr7195Ile)

Gene: DST (dystonin; minus strand). Cytogenetic location: 6p12.1.
Variant type: single nucleotide variant.
Coding change: c.21584C>T on transcript NM_001374736.1 (MANE Select); coding-DNA position 21584, C replaced by T.
Protein change: p.Thr7195Ile; replaces threonine 7195 with isoleucine.
Molecular consequence: missense variant.
Genome position (GRCh38, 1-based): chr6:56,477,436, G>A on the plus strand (C>T on the coding strand, the complement: DST is on the minus strand). VCF-style: chr6-56477436-G-A. GRCh37 (hg19) VCF-style: chr6-56342234-G-A.
Other names: c.15227C>T, p.Thr5076Ile (NM_001144769.5); c.14813C>T, p.Thr4938Ile (NM_001144770.2); c.21584C>T, p.Thr7195Ile (NM_001374722.1); c.20624C>T, p.Thr6875Ile (NM_001374729.1); c.14366C>T, p.Thr4789Ile (NM_001374730.1); c.21611C>T, p.Thr7204Ile (NM_001374734.1); c.14693C>T, p.Thr4898Ile (NM_001386100.1, NM_183380.4); c.13715C>T, p.Thr4572Ile (NM_015548.5); short protein forms T4898I, T7195I, T4572I, T7204I, T4789I, T4938I, T5076I, T6875I.
Identifiers: ClinVar variation 1934343 (VCV001934343.5), dbSNP rs2095245831, ClinGen allele CA364511213.

ClinVar aggregate classification (germline): Uncertain significance (1 of 4 stars; one submission).

Conditions:
Hereditary sensory and autonomic neuropathy type 6. Also called: HSAN VI; Neuropathy, hereditary sensory and autonomic, type VI. Identifiers: Orphanet 314381, MedGen C3539003, MONDO:0013839, OMIM 614653.
Epidermolysis bullosa simplex 3, localized or generalized intermediate, with BP230 deficiency (EBS3). Also called: Epidermolysis bullosa simplex, autosomal recessive 2; Epidermolysis bullosa simplex due to BP230 deficiency. Identifiers: Orphanet 412181, MedGen C3809470, MONDO:0014180, OMIM 615425.

Allele frequency attached by ClinVar (database versions not stated): gnomAD 0.00001.
gnomAD v4.1: 1 of 1,613,824 alleles (0.000062%); highest among the groups gnomAD compares: African/African-American, 0.0013%; no homozygotes.

Submission:

Labcorp Genetics (formerly Invitae), Labcorp
Classification: Uncertain significance for Epidermolysis bullosa simplex 3, localized or generalized intermediate, with BP230 deficiency; Hereditary sensory and autonomic neuropathy type 6. Last evaluated: 2022-05-25. Review status: criteria provided, single submitter. Criteria: Invitae Variant Classification Sherloc (09022015). Collection method: clinical testing. Allele origin: germline.
Comment: In summary, the available evidence is currently insufficient to determine the role of this variant in disease. Therefore, it has been classified as a Variant of Uncertain Significance. Experimental studies and prediction algorithms are not available or were not evaluated, and the functional significance of this variant is currently unknown. This variant has not been reported in the literature in individuals affected with DST-related conditions. This variant is not present in population databases (gnomAD no frequency). This sequence change replaces threonine, which is neutral and polar, with isoleucine, which is neutral and non-polar, at codon 4572 of the DST protein (p.Thr4572Ile). The DST gene has multiple clinically relevant transcripts. This variant occurs in alternate transcript NM_015548.4, and corresponds to NM_001723.5:c.*138081C>T in the primary transcript.